The following is an entry in ClinVar:

ClinVar aggregate classification (germline): Uncertain significance (1 of 4 stars; one submission).

Conditions:
Early-infantile DEE. Also called: Ohtahara syndrome; Early infantile epileptic encephalopathy; Early infantile epileptic encephalopathy with suppression bursts. Identifiers: Orphanet 1934, MedGen C0393706, MONDO:0800491.

Submission:

Labcorp Genetics (formerly Invitae), Labcorp
Classification: Uncertain significance for Early-infantile DEE. Last evaluated: 2024-05-15. Review status: criteria provided, single submitter. Criteria: Invitae Variant Classification Sherloc (09022015). Collection method: clinical testing. Allele origin: germline.
Comment: This sequence change falls in intron 20 of the SCN1A gene. It does not directly change the encoded amino acid sequence of the SCN1A protein. However, this sequence change falls within a region encompassing a cryptic exon in the SCN1A gene, in which variants have been shown to alter splicing (PMID: 30526861, 34107977). This variant is not present in population databases (gnomAD no frequency). This variant has been observed in individual(s) with clinical features of SCN1A-related conditions (Invitae). ClinVar contains an entry for this variant (Variation ID: 1546487). Algorithms developed to predict the effect of sequence changes on RNA splicing suggest that this variant is not likely to affect RNA splicing. In summary, the available evidence is currently insufficient to determine the role of this variant in disease. Therefore, it has been classified as a Variant of Uncertain Significance.

Literature cited by the submitters: PubMed 30526861; PubMed 34107977.

NM_001165963.4(SCN1A):c.4002+2439C>A

Genes: SCN1A (sodium voltage-gated channel alpha subunit 1; minus strand), LOC102724058 (uncharacterized LOC102724058; plus strand). Cytogenetic location: 2q24.3.
Variant type: single nucleotide variant.
Coding change: c.4002+2439C>A on transcript NM_001165963.4 (MANE Select); 2439 bases into the intron after coding-DNA position 4002, C replaced by A.
Molecular consequence: intron variant. On other transcripts: non-coding transcript variant (1).
Genome position (GRCh38, 1-based): chr2:166,007,280, G>T on the plus strand (C>A on the coding strand, the complement: SCN1A is on the minus strand). VCF-style: chr2-166007280-G-T. GRCh37 (hg19) VCF-style: chr2-166863790-G-T.
Other names: c.3969+2439C>A (NM_001353949.2, NM_001353950.2, NM_001353951.2 and 2 more transcripts); c.3918+2439C>A (NM_001353958.2, NM_001353957.2, NM_001165964.3); c.4002+2439C>A (NM_001202435.3, NM_001353948.2); c.3966+2439C>A (NM_001353955.2, NM_001353954.2); c.3915+2439C>A (NM_001353960.2); c.1560+2439C>A (NM_001353961.2).
Identifiers: ClinVar variation 1546487 (VCV001546487.9), dbSNP rs2105547332, ClinGen allele CA2573133059.
Genomic context (GRCh38, chr2:166,007,280, plus strand): 5'-AATACAGTACCCATAATAAAGGGCTCAGGGGAGGAACCAGCGCTCCACCCCATCCAAGTT[G>T]GAGCAAGATTATCCTATACAAAATAGAAATATATAGTTTGTTATTAGTTAGAAATCTGAT-3'